The following is an entry in ClinVar:

ClinVar aggregate classification (germline): Pathogenic/Likely pathogenic. Review status: criteria provided, multiple submitters, no conflicts (2 of 4 stars). 4 submissions from 4 submitters: Pathogenic (2); Likely pathogenic (1). 1 of the submissions does not count toward it. Last evaluated 2026-01-02.

Conditions:
Myasthenic syndrome, congenital, 22 (CMS22). Also called: PREPL DEFICIENCY. Identifiers: MedGen C4479088, MONDO:0044299, OMIM 616224.

Allele frequency attached by ClinVar (database versions not stated): gnomAD exomes 0.00001; ExAC 0.00002; gnomAD 0.00002; TOPMed 0.00005; ESP Exome Variant Server 0.00008.
gnomAD v4.1: 15 of 1,613,904 alleles (0.00093%); highest among the groups gnomAD compares: African/African-American, 0.004%; no homozygotes.

Submissions (4):

Labcorp Genetics (formerly Invitae), Labcorp
Classification: Pathogenic for Myasthenic syndrome, congenital, 22. Last evaluated: 2026-01-02. Review status: criteria provided, single submitter. Criteria: Invitae Variant Classification Sherloc (09022015). Collection method: clinical testing. Allele origin: germline.
Comment: This sequence change creates a premature translational stop signal (p.Arg295*) in the PREPL gene. It is expected to result in an absent or disrupted protein product. Loss-of-function variants in PREPL are known to be pathogenic (PMID: 24610330, 28726805, 29913539). This variant is present in population databases (rs145356495, gnomAD 0.01%). This premature translational stop signal has been observed in individual(s) with PREPL deficiency (PMID: 28726805). ClinVar contains an entry for this variant (Variation ID: 548713). For these reasons, this variant has been classified as Pathogenic.

GeneDx
Classification: Likely pathogenic. Last evaluated: 2022-03-23. Review status: criteria provided, single submitter. Criteria: GeneDx Variant Classification Process June 2021. Collection method: clinical testing. Allele origin: germline. Affected: yes.
Comment: Identified heterozygous in a patient with features consistent with PREPL deficiency who also harbored a heterozygous deletion involving PREPL and CAMKMT, however, familial segregation information was not provided (Regal et al., 2018); Nonsense variant predicted to result in protein truncation or nonsense mediated decay in a gene for which loss of function is a known mechanism of disease; Not observed at significant frequency in large population cohorts (gnomAD); This variant is associated with the following publications: (PMID: 31985178, 32721234, 28726805)

Juno Genomics, Hangzhou Juno Genomics, Inc
Classification: Pathogenic for Myasthenic syndrome, congenital, 22. Review status: criteria provided, single submitter. Criteria: ACMG Guidelines, 2015. Collection method: clinical testing. Allele origin: germline.
Comment: Absent from controls (or at extremely low frequency if recessive) in Genome Aggregation Database.;Null variant in a gene where loss of function (LOF) is a known mechanism of disease.;For recessive disorders, detected in trans with a pathogenic variant.

OMIM
Classification: Pathogenic for MYASTHENIC SYNDROME, CONGENITAL, 22. Last evaluated: 2018-07-11. Review status: no assertion criteria provided. Collection method: literature only. Allele origin: germline. Not counted in ClinVar's aggregate classification.

Literature cited by the submitters: PubMed 24610330 (cited by Labcorp Genetics (formerly Invitae), Labcorp); PubMed 28726805 (cited by Labcorp Genetics (formerly Invitae), Labcorp and OMIM); PubMed 29913539 (cited by Labcorp Genetics (formerly Invitae), Labcorp).

NM_001171613.2(PREPL):c.616C>T (p.Arg206Ter)

Gene: PREPL (prolyl endopeptidase like; minus strand). Cytogenetic location: 2p21.
Variant type: single nucleotide variant.
Coding change: c.616C>T on transcript NM_001171613.2 (MANE Select); coding-DNA position 616, C replaced by T.
Protein change: p.Arg206Ter; replaces arginine 206 with a stop codon.
Molecular consequence: nonsense.
Genome position (GRCh38, 1-based): chr2:44,339,233, G>A on the plus strand (C>T on the coding strand, the complement: PREPL is on the minus strand). VCF-style: chr2-44339233-G-A. GRCh37 (hg19) VCF-style: chr2-44566372-G-A.
Other names: c.883C>T, p.Arg295Ter (NM_001042385.2, NM_001042386.2, NM_001171603.1 and 4 more transcripts); c.616C>T, p.Arg206Ter (NM_001171617.1, NM_001374277.1); short protein forms R295*, R206*.
Identifiers: ClinVar variation 548713 (VCV000548713.13), dbSNP rs145356495, ClinGen allele CA1641410.
Genomic context (GRCh38, chr2:44,339,233, plus strand): 5'-TAGTGAGAATGTATAATTCATCATCTCTGTGTTCAACATAGTAAAGGACCCCATGTATTC[G>A]CTTCTGGATAAGTACTGGTGGGTCCCAAGGGCTCAGGCCATCTATCAACCACACTTCAGA-3'